The following is an entry in ClinVar:

NM_001031710.3(KLHL7):c.443-1G>A

Gene: KLHL7 (kelch like family member 7; plus strand). Cytogenetic location: 7p15.3.
Variant type: single nucleotide variant.
Coding change: c.443-1G>A on transcript NM_001031710.3 (MANE Select); the canonical splice acceptor site of the intron before coding-DNA position 443, G replaced by A.
Molecular consequence: splice acceptor variant.
Genome position (GRCh38, 1-based): chr7:23,140,768, G>A. VCF-style: chr7-23140768-G-A. GRCh37 (hg19) VCF-style: chr7-23180387-G-A.
Other names: c.299-1G>A (NM_018846.5).
Identifiers: ClinVar variation 2109490 (VCV002109490.4), dbSNP rs2534860329, ClinGen allele CA366975938.

ClinVar aggregate classification (germline): Likely pathogenic (1 of 4 stars; one submission).

Allele frequency attached by ClinVar (database versions not stated): gnomAD exomes below 0.00001.
gnomAD v4.1: 2 of 1,612,658 alleles (0.00012%); highest among the groups gnomAD compares: Non-Finnish European, 0.00017%; no homozygotes.

Submission:

Labcorp Genetics (formerly Invitae), Labcorp
Classification: Likely pathogenic. Last evaluated: 2024-10-24. Review status: criteria provided, single submitter. Criteria: Invitae Variant Classification Sherloc (09022015). Collection method: clinical testing. Allele origin: germline.
Comment: This sequence change affects an acceptor splice site in intron 4 of the KLHL7 gene. It is expected to disrupt RNA splicing. Variants that disrupt the donor or acceptor splice site typically lead to a loss of protein function (PMID: 16199547), and loss-of-function variants in KLHL7 are known to be pathogenic (PMID: 27392078, 29074562, 30426380, 31953236). This variant is not present in population databases (gnomAD no frequency). This variant has not been reported in the literature in individuals affected with KLHL7-related conditions. ClinVar contains an entry for this variant (Variation ID: 2109490). Algorithms developed to predict the effect of sequence changes on RNA splicing suggest that this variant may disrupt the consensus splice site. In summary, the currently available evidence indicates that the variant is pathogenic, but additional data are needed to prove that conclusively. Therefore, this variant has been classified as Likely Pathogenic.

Literature cited by the submitters: PubMed 16199547; PubMed 27392078; PubMed 29074562; PubMed 30426380; PubMed 31953236.